The following is an entry in ClinVar:

NM_138295.5(PKD1L1):c.6385C>T (p.Leu2129Phe)

Gene: PKD1L1 (polycystin 1 like 1, transient receptor potential channel interacting; minus strand). Cytogenetic location: 7p12.3.
Variant type: single nucleotide variant.
Coding change: c.6385C>T on transcript NM_138295.5 (MANE Select); coding-DNA position 6385, C replaced by T.
Protein change: p.Leu2129Phe; replaces leucine 2129 with phenylalanine.
Molecular consequence: missense variant.
Genome position (GRCh38, 1-based): chr7:47,831,305, G>A on the plus strand (C>T on the coding strand, the complement: PKD1L1 is on the minus strand). VCF-style: chr7-47831305-G-A. GRCh37 (hg19) VCF-style: chr7-47870903-G-A.
Other names: short protein forms L2129F.
Identifiers: ClinVar variation 2636757 (VCV002636757.1), dbSNP rs929514084, ClinGen allele CA158098494.

ClinVar aggregate classification (germline): Uncertain significance (1 of 4 stars; one submission).

Conditions:
PKD1L1-related disorder. Also called: PKD1L1-related condition.

Allele frequency attached by ClinVar (database versions not stated): TOPMed below 0.00001; gnomAD exomes 0.00001; gnomAD 0.00002.
gnomAD v4.1: 14 of 1,614,058 alleles (0.00087%); highest among the groups gnomAD compares: Admixed American, 0.0033%; no homozygotes.

Submission:

PreventionGenetics, part of Exact Sciences
Classification: Uncertain significance for PKD1L1-related condition. Last evaluated: 2023-07-24. Review status: criteria provided, single submitter. Criteria: ACMG Guidelines, 2015. Collection method: clinical testing. Allele origin: germline.
Comment: The PKD1L1 c.6385C>T variant is predicted to result in the amino acid substitution p.Leu2129Phe. To our knowledge, this variant has not been reported in the literature. This variant is reported in 0.0065% of alleles in individuals of European (Non-Finnish) descent in gnomAD. At this time, the clinical significance of this variant is uncertain due to the absence of conclusive functional and genetic evidence.